The following is an entry in ClinVar:

NM_005219.5(DIAPH1):c.3078G>C (p.Leu1026Phe)

Gene: DIAPH1 (diaphanous related formin 1; minus strand). Cytogenetic location: 5q31.3.
Variant type: single nucleotide variant.
Coding change: c.3078G>C on transcript NM_005219.5 (MANE Select); coding-DNA position 3078, G replaced by C.
Protein change: p.Leu1026Phe; replaces leucine 1026 with phenylalanine.
Molecular consequence: missense variant.
Genome position (GRCh38, 1-based): chr5:141,528,523, C>G on the plus strand (G>C on the coding strand, the complement: DIAPH1 is on the minus strand). VCF-style: chr5-141528523-C-G. GRCh37 (hg19) VCF-style: chr5-140908090-C-G.
Other names: c.3078G>C (NM_005219.4); c.3051G>C, p.Leu1017Phe (NM_001079812.3); c.3078G>C, p.Leu1026Phe (NM_001314007.2); short protein forms L1017F, L1026F.
Identifiers: ClinVar variation 2173916 (VCV002173916.5), dbSNP rs2099887728, ClinGen allele CA361583271.
Genomic context (GRCh38, chr5:141,528,523, plus strand): 5'-TTTCTCCACATGGGCAAGCTCGTCTGGAAACTTGAGGACATCGGGATAGTCATTCTCACA[C>G]AACTCAGCCAAGAAGTGTAACAACGTCATCTTCTGATCTGTGGACTTGGTGTCTCGAAGC-3'
Protein context (NP_005210.3, residues 1016-1036): KMTLLHFLAE[Leu1026Phe]CENDYPDVLK

ClinVar aggregate classification (germline): Uncertain significance. Review status: criteria provided, multiple submitters, no conflicts (2 of 4 stars). 2 submissions from 2 submitters: Uncertain significance (2). Last evaluated 2025-04-08.

Conditions:
Progressive microcephaly-seizures-cortical blindness-developmental delay syndrome. Also called: Seizures, cortical blindness, and microcephaly syndrome. Identifiers: Orphanet 477814, MedGen C5567650, MONDO:0014714, OMIM 616632.
Autosomal dominant nonsyndromic hearing loss 1. Also called: KONIGSMARK SYNDROME; DEAFNESS, AUTOSOMAL DOMINANT 1, WITH OR WITHOUT THROMBOCYTOPENIA. Identifiers: Orphanet 90635, MedGen C1852282, MONDO:0007424, OMIM 124900.

Allele frequency attached by ClinVar (database versions not stated): TOPMed below 0.00001; gnomAD 0.00001; gnomAD exomes 0.00002.
gnomAD v4.1: 35 of 1,614,124 alleles (0.0022%); highest among the groups gnomAD compares: Non-Finnish European, 0.003%; no homozygotes.

Submissions (2):

Labcorp Genetics (formerly Invitae), Labcorp
Classification: Uncertain significance for Progressive microcephaly-seizures-cortical blindness-developmental delay syndrome; Autosomal dominant nonsyndromic hearing loss 1. Last evaluated: 2025-04-08. Review status: criteria provided, single submitter. Criteria: Invitae Variant Classification Sherloc (09022015). Collection method: clinical testing. Allele origin: germline.
Comment: This sequence change replaces leucine, which is neutral and non-polar, with phenylalanine, which is neutral and non-polar, at codon 1026 of the DIAPH1 protein (p.Leu1026Phe). This variant is not present in population databases (gnomAD no frequency). This variant has not been reported in the literature in individuals affected with DIAPH1-related conditions. ClinVar contains an entry for this variant (Variation ID: 2173916). An algorithm developed to predict the effect of missense changes on protein structure and function (PolyPhen-2) suggests that this variant is likely to be disruptive. In summary, the available evidence is currently insufficient to determine the role of this variant in disease. Therefore, it has been classified as a Variant of Uncertain Significance.

GeneDx
Classification: Uncertain significance. Last evaluated: 2024-01-17. Review status: criteria provided, single submitter. Criteria: GeneDx Variant Classification Process June 2021. Collection method: clinical testing. Allele origin: germline. Affected: yes.
Comment: Not observed at significant frequency in large population cohorts (gnomAD); In silico analysis supports that this missense variant has a deleterious effect on protein structure/function; Has not been previously published as pathogenic or benign to our knowledge